The following is an entry in ClinVar:

NM_002230.4(JUP):c.1088G>T (p.Ser363Ile)

Gene: JUP (junction plakoglobin; minus strand). Cytogenetic location: 17q21.2.
Variant type: single nucleotide variant.
Coding change: c.1088G>T on transcript NM_002230.4 (MANE Select); coding-DNA position 1088, G replaced by T.
Protein change: p.Ser363Ile; replaces serine 363 with isoleucine.
Molecular consequence: missense variant.
Genome position (GRCh38, 1-based): chr17:41,764,783, C>A on the plus strand (G>T on the coding strand, the complement: JUP is on the minus strand). VCF-style: chr17-41764783-C-A. GRCh37 (hg19) VCF-style: chr17-39921035-C-A.
Other names: c.1088G>T, p.Ser363Ile (NM_001352773.2, NM_001352774.2, NM_001352775.2 and 3 more transcripts); short protein forms S363I.
Identifiers: ClinVar variation 1518173 (VCV001518173.6), dbSNP rs2143593479, ClinGen allele CA399498962.

ClinVar aggregate classification (germline): Uncertain significance (1 of 4 stars; one submission).

Conditions:
Arrhythmogenic right ventricular dysplasia 12. Also called: ARRHYTHMOGENIC RIGHT VENTRICULAR DYSPLASIA, FAMILIAL, 12. Identifiers: MedGen C1969081, MONDO:0012684, OMIM 611528.
Naxos disease (NXD). Also called: KERATOSIS PALMOPLANTARIS WITH ARRHYTHMOGENIC CARDIOMYOPATHY; CARDIOMYOPATHY, ARRHYTHMOGENIC RIGHT VENTRICULAR, WITH SKIN, HAIR, AND NAIL ABNORMALITIES; PALMOPLANTAR KERATODERMA WITH ARRHYTHMOGENIC RIGHT VENTRICULAR CARDIOMYOPATHY AND WOOLLY HAIR; WOOLLY HAIR, PALMOPLANTAR KERATODERMA, AND CARDIAC ABNORMALITIES; MAL DE NAXOS. Identifiers: Orphanet 34217, MedGen C1832600, MONDO:0011017, OMIM 601214.

Allele frequency attached by ClinVar (database versions not stated): gnomAD exomes below 0.00001.
gnomAD v4.1: 5 of 1,613,748 alleles (0.00031%); highest among the groups gnomAD compares: Non-Finnish European, 0.00034%; no homozygotes.

Submission:

Labcorp Genetics (formerly Invitae), Labcorp
Classification: Uncertain significance for Arrhythmogenic right ventricular dysplasia 12; Naxos disease. Last evaluated: 2023-01-27. Review status: criteria provided, single submitter. Criteria: Invitae Variant Classification Sherloc (09022015). Collection method: clinical testing. Allele origin: germline.
Comment: This variant has not been reported in the literature in individuals affected with JUP-related conditions. In summary, the available evidence is currently insufficient to determine the role of this variant in disease. Therefore, it has been classified as a Variant of Uncertain Significance. Algorithms developed to predict the effect of missense changes on protein structure and function are either unavailable or do not agree on the potential impact of this missense change (SIFT: "Deleterious"; PolyPhen-2: "Probably Damaging"; Align-GVGD: "Class C0"). ClinVar contains an entry for this variant (Variation ID: 1518173). This variant is not present in population databases (gnomAD no frequency). This sequence change replaces serine, which is neutral and polar, with isoleucine, which is neutral and non-polar, at codon 363 of the JUP protein (p.Ser363Ile).